The following is an entry in ClinVar:

NM_004260.4(RECQL4):c.1621-8A>G

Gene: RECQL4 (RecQ like helicase 4; minus strand). Cytogenetic location: 8q24.3.
Variant type: single nucleotide variant.
Coding change: c.1621-8A>G on transcript NM_004260.4 (MANE Select); 8 bases into the intron before coding-DNA position 1621, A replaced by G.
Molecular consequence: intron variant.
Genome position (GRCh38, 1-based): chr8:144,514,533, T>C on the plus strand (A>G on the coding strand, the complement: RECQL4 is on the minus strand). VCF-style: chr8-144514533-T-C. GRCh37 (hg19) VCF-style: chr8-145739917-T-C.
Other names: p.?.
Identifiers: ClinVar variation 239701 (VCV000239701.49), dbSNP rs373357384, ClinGen allele CA4948737.

ClinVar aggregate classification (germline): Benign/Likely benign. Review status: criteria provided, multiple submitters, no conflicts (2 of 4 stars). 13 submissions from 12 submitters: Benign (4); Likely benign (5). 4 of the submissions do not count toward it. Last evaluated 2026-04-01.

Conditions:
Baller-Gerold syndrome (BGS). Also called: CRANIOSYNOSTOSIS WITH RADIAL DEFECTS. Identifiers: Orphanet 1225, MedGen C0265308, MONDO:0009039, OMIM 218600.
Rothmund-Thomson syndrome type 2 (RTS2). Identifiers: Orphanet 221016, MedGen C5203410, MONDO:0016369, OMIM 268400.
Hereditary cancer-predisposing syndrome. Also called: Tumor predisposition; Hereditary Cancer Syndrome; Neoplastic Syndromes, Hereditary; Hereditary neoplastic syndrome. Identifiers: Orphanet 140162, MedGen C0027672, MeSH D009386, MONDO:0015356.
Rapadilino syndrome. Identifiers: Orphanet 3021, MedGen C1849453, MONDO:0009955, OMIM 266280.

Allele frequency attached by ClinVar (database versions not stated): ESP Exome Variant Server 0.00032; gnomAD 0.00064 and 0.00080; TOPMed 0.00073; gnomAD exomes 0.00074 and 0.00135; 1000 Genomes Project 0.00080; 1000 Genomes Project 30x 0.00094; ExAC 0.00113.
gnomAD v4.1: 1,226 of 1,609,830 alleles (0.076%); highest among the groups gnomAD compares: Middle Eastern, 0.66%; 11 homozygotes.

Submissions (13):

CeGaT Center for Human Genetics Tuebingen
Classification: Likely benign. Last evaluated: 2026-04-01. Review status: criteria provided, single submitter. Criteria: CeGaT Center For Human Genetics Tuebingen Variant Classification Criteria Version 2. Collection method: clinical testing. Allele origin: germline. Affected: yes. Observed: 7 variant alleles.
Comment: RECQL4: BP4, BS2

Labcorp Genetics (formerly Invitae), Labcorp
Classification: Benign for Baller-Gerold syndrome. Last evaluated: 2026-02-02. Review status: criteria provided, single submitter. Criteria: Invitae Variant Classification Sherloc (09022015). Collection method: clinical testing. Allele origin: germline.

Mayo Clinic Laboratories, Mayo Clinic
Classification: Benign. Last evaluated: 2025-03-11. Review status: criteria provided, single submitter. Criteria: ACMG Guidelines, 2015. Collection method: clinical testing. Allele origin: germline. Observed: 1 variant allele.
Comment: BS1, BS2, BP4

KCCC/NGS Laboratory, Kuwait Cancer Control Center
Classification: Benign for Rapadilino syndrome. Last evaluated: 2025-02-01. Review status: criteria provided, single submitter. Criteria: ACMG Guidelines, 2015. Collection method: clinical testing. Allele origin: germline. Affected: no.

Blueprint Genetics
Classification: Likely benign. Last evaluated: 2024-11-13. Review status: criteria provided, single submitter. Criteria: ACMG Guidelines, 2015. Collection method: clinical testing. Allele origin: germline.

KCCC/NGS Laboratory, Kuwait Cancer Control Center
Classification: Benign for Rothmund-Thomson syndrome type 2. Last evaluated: 2023-07-07. Review status: criteria provided, single submitter. Criteria: ACMG Guidelines, 2015. Collection method: clinical testing. Allele origin: germline. Affected: yes.

Sema4
Classification: Likely benign for Hereditary cancer-predisposing syndrome. Last evaluated: 2021-04-30. Review status: criteria provided, single submitter. Criteria: Sema4 Curation Guidelines. Collection method: curation. Allele origin: germline.

Eurofins Ntd Llc (ga)
Classification: Likely benign. Last evaluated: 2017-09-07. Review status: criteria provided, single submitter. Criteria: EGL Classification Definitions 2015. Collection method: clinical testing. Allele origin: germline. Observed: 1 variant allele, 1 heterozygote.

Breakthrough Genomics
Classification: Likely benign. Review status: criteria provided, single submitter. Criteria: ACMG Guidelines, 2015. Collection method: not provided. Allele origin: germline. Inheritance: Autosomal recessive inheritance. Affected: yes.

Genetic Services Laboratory, University of Chicago
Classification: Likely benign. Last evaluated: 2022-06-07. Review status: no assertion criteria provided. Collection method: clinical testing. Allele origin: germline. Affected: no. Not counted in ClinVar's aggregate classification.

Clinical Genetics DNA and cytogenetics Diagnostics Lab, Erasmus MC, Erasmus Medical Center
Classification: Likely benign. Review status: no assertion criteria provided. Collection method: clinical testing. Allele origin: germline. Affected: yes. Study: VKGL Data-share Consensus. Not counted in ClinVar's aggregate classification.

Genome Diagnostics Laboratory, University Medical Center Utrecht
Classification: Likely benign. Review status: no assertion criteria provided. Collection method: clinical testing. Allele origin: germline. Affected: yes. Study: VKGL Data-share Consensus. Not counted in ClinVar's aggregate classification.

Laboratory of Diagnostic Genome Analysis, Leiden University Medical Center (LUMC)
Classification: Likely benign. Review status: no assertion criteria provided. Collection method: clinical testing. Allele origin: germline. Affected: yes. Study: VKGL Data-share Consensus. Not counted in ClinVar's aggregate classification.